The following is an entry in ClinVar:

ClinVar aggregate classification (germline): Uncertain significance. Review status: criteria provided, multiple submitters, no conflicts (2 of 4 stars). 2 submissions from 2 submitters: Uncertain significance (2). Last evaluated 2024-06-08.

Conditions:
Familial thoracic aortic aneurysm and aortic dissection (TAAD). Also called: Thoracic aortic aneurysms and dissections. Identifiers: Orphanet 91387, MedGen C4707243, MONDO:0019625.

Allele frequency attached by ClinVar (database versions not stated): TOPMed below 0.00001.
gnomAD v4.1: 1 of 1,614,110 alleles (0.000062%); highest among the groups gnomAD compares: Non-Finnish European, 0.000085%; no homozygotes.

Submissions (2):

All of Us Research Program, National Institutes of Health
Classification: Uncertain significance for Familial thoracic aortic aneurysm and aortic dissection. Last evaluated: 2024-06-08. Review status: criteria provided, single submitter. Criteria: ACMG Guidelines, 2015. Collection method: clinical testing. Allele origin: germline. Inheritance: Autosomal dominant inheritance. Observed: 1 variant allele, 1 heterozygote.
Comment: This missense variant replaces aspartic acid with asparagine at codon 10 of the MYH11 protein. Computational prediction suggests that this variant may not impact protein structure and function (internally defined REVEL score threshold <= 0.5, PMID: 27666373). To our knowledge, functional studies have not been reported for this variant. This variant has not been reported in individuals affected with cardiovascular disorders in the literature. This variant has not been identified in the general population by the Genome Aggregation Database (gnomAD). The available evidence is insufficient to determine the role of this variant in disease conclusively. Therefore, this variant is classified as a Variant of Uncertain Significance.

This study involves interpretation of variants in research participants for the purpose of population health screening. Participant phenotype was not available at the time of variant classification. Additional details can be found in publication PMID: 35346344, PMCID: PMC8962531

Color Diagnostics, LLC DBA Color Health
Classification: Uncertain significance for Familial thoracic aortic aneurysm and aortic dissection. Last evaluated: 2024-03-07. Review status: criteria provided, single submitter. Criteria: ACMG Guidelines, 2015. Collection method: clinical testing. Allele origin: germline.
Comment: This missense variant replaces aspartic acid with asparagine at codon 10 of the MYH11 protein. Computational prediction suggests that this variant may not impact protein structure and function (internally defined REVEL score threshold <= 0.5, PMID: 27666373). To our knowledge, functional studies have not been reported for this variant. This variant has not been reported in individuals affected with cardiovascular disorders in the literature. This variant has not been identified in the general population by the Genome Aggregation Database (gnomAD). The available evidence is insufficient to determine the role of this variant in disease conclusively. Therefore, this variant is classified as a Variant of Uncertain Significance.

NM_002474.3(MYH11):c.28G>A (p.Asp10Asn)

Gene: MYH11 (myosin heavy chain 11; minus strand). Cytogenetic location: 16p13.11.
Variant type: single nucleotide variant.
Coding change: c.28G>A on transcript NM_002474.3 (MANE Select); coding-DNA position 28, G replaced by A.
Protein change: p.Asp10Asn; replaces aspartic acid 10 with asparagine.
Molecular consequence: missense variant.
Genome position (GRCh38, 1-based): chr16:15,838,225, C>T on the plus strand (G>A on the coding strand, the complement: MYH11 is on the minus strand). VCF-style: chr16-15838225-C-T. GRCh37 (hg19) VCF-style: chr16-15932082-C-T.
Other names: c.28G>A, p.Asp10Asn (NM_001040113.2, NM_001040114.2, NM_022844.3); short protein forms D10N.
Identifiers: ClinVar variation 2773887 (VCV002773887.3), dbSNP rs2043958315, ClinGen allele CA395199127.
Genomic context (GRCh38, chr16:15,838,225, plus strand): 5'-AGTCAGCCTGGGCCACTGGGCTGTTGATGAAGTTTTTGTCCACAAAGAGGAACTTCTCAT[C>T]GTCACTGAGTTGGCCCTTCTGCGCCATGGTGCCTTGTTGGTCCCCTGTGGAATAAGGTAA-3'
Protein context (NP_002465.1, residues 1-20): MAQKGQLSD[Asp10Asn]EKFLFVDKNF